The following is an entry in ClinVar:

NM_001267550.2(TTN):c.21403G>A (p.Glu7135Lys)

Genes: TTN (titin; minus strand), LOC126806428 (BRD4-independent group 4 enhancer GRCh37_chr2:179588362-179589561; plus strand). Cytogenetic location: 2q31.2.
Variant type: single nucleotide variant.
Coding change: c.21403G>A on transcript NM_001267550.2 (MANE Select); coding-DNA position 21403, G replaced by A.
Protein change: p.Glu7135Lys; replaces glutamic acid 7135 with lysine.
Molecular consequence: missense variant. On other transcripts: intron variant (3).
Genome position (GRCh38, 1-based): chr2:178,723,856, C>T on the plus strand (G>A on the coding strand, the complement: TTN is on the minus strand). VCF-style: chr2-178723856-C-T. GRCh37 (hg19) VCF-style: chr2-179588583-C-T.
Other names: c.20452G>A, p.Glu6818Lys (NM_001256850.1); c.17671G>A, p.Glu5891Lys (NM_133378.4); c.13282+14226G>A (NM_003319.4); c.13858+14226G>A (NM_133437.4); c.13657+14226G>A (NM_133432.3); c.21403G>A (NM_001267550.1); short protein forms E5891K, E6818K, E7135K.
Identifiers: ClinVar variation 1407043 (VCV001407043.7), dbSNP rs779787316, ClinGen allele CA2001038.

ClinVar aggregate classification (germline): Uncertain significance. Review status: criteria provided, multiple submitters, no conflicts (2 of 4 stars). 2 submissions from 2 submitters: Uncertain significance (2). Last evaluated 2025-05-31.

Conditions:
Autosomal recessive limb-girdle muscular dystrophy type 2J (LGMDR10). Also called: MUSCULAR DYSTROPHY, LIMB-GIRDLE, AUTOSOMAL RECESSIVE 10; Limb-girdle muscular dystrophy, type 2J. Identifiers: Orphanet 140922, MedGen C1837342, MONDO:0012127, OMIM 608807.
Dilated cardiomyopathy 1G (CMD1G). Identifiers: Orphanet 154, MedGen C1858763, MONDO:0011400, OMIM 604145.

Allele frequency attached by ClinVar (database versions not stated): gnomAD exomes below 0.00001 and 0.00001; TOPMed below 0.00001; ExAC 0.00001.
gnomAD v4.1: 18 of 1,604,250 alleles (0.0011%); highest among the groups gnomAD compares: Non-Finnish European, 0.0014%; no homozygotes.

Submissions (2):

GeneDx
Classification: Uncertain significance. Last evaluated: 2025-05-31. Review status: criteria provided, single submitter. Criteria: GeneDx Variant Classification Process June 2021. Collection method: clinical testing. Allele origin: germline. Affected: yes.
Comment: Not observed at significant frequency in large population cohorts (gnomAD); In silico analysis supports a deleterious effect on splicing; Has not been previously published as pathogenic or benign to our knowledge

Labcorp Genetics (formerly Invitae), Labcorp
Classification: Uncertain significance for Dilated cardiomyopathy 1G; Autosomal recessive limb-girdle muscular dystrophy type 2J. Last evaluated: 2024-10-15. Review status: criteria provided, single submitter. Criteria: Invitae Variant Classification Sherloc (09022015). Collection method: clinical testing. Allele origin: germline.
Comment: This sequence change replaces glutamic acid, which is acidic and polar, with lysine, which is basic and polar, at codon 7135 of the TTN protein (p.Glu7135Lys). This variant also falls at the last nucleotide of exon 73, which is part of the consensus splice site for this exon. This variant is present in population databases (rs779787316, gnomAD 0.0009%). This variant has not been reported in the literature in individuals affected with TTN-related conditions. ClinVar contains an entry for this variant (Variation ID: 1407043). Experimental studies and prediction algorithms are not available or were not evaluated, and the functional significance of this variant is currently unknown. Variants that disrupt the consensus splice site are a relatively common cause of aberrant splicing (PMID: 17576681, 9536098). Algorithms developed to predict the effect of sequence changes on RNA splicing suggest that this variant may disrupt the consensus splice site. This variant is located in the I band of TTN (PMID: 25589632). Non-truncating variants in this region may be clinically relevant, but have not been definitively shown to cause cardiomyopathy or neuromuscular disease (PMID: 27493940, 32778822). In summary, the available evidence is currently insufficient to determine the role of this variant in disease. Therefore, it has been classified as a Variant of Uncertain Significance.

Literature cited by the submitters: PubMed 17576681 (cited by Labcorp Genetics (formerly Invitae), Labcorp); PubMed 9536098 (cited by Labcorp Genetics (formerly Invitae), Labcorp); PubMed 25589632 (cited by Labcorp Genetics (formerly Invitae), Labcorp); PubMed 27493940 (cited by Labcorp Genetics (formerly Invitae), Labcorp); PubMed 32778822 (cited by Labcorp Genetics (formerly Invitae), Labcorp).